The following is an entry in ClinVar:

ClinVar aggregate classification (germline): Uncertain significance (1 of 4 stars; one submission).

Conditions:
Long QT syndrome (LQTS). Identifiers: MedGen C0023976, MeSH D008133, MONDO:0002442. Disease mechanism: loss of function. Inheritance: Various modes of inheritance.

gnomAD v4.1: 14 of 1,613,916 alleles (0.00087%); highest among the groups gnomAD compares: Middle Eastern, 0.016%; no homozygotes.

Submission:

Labcorp Genetics (formerly Invitae), Labcorp
Classification: Uncertain significance for Long QT syndrome. Last evaluated: 2024-03-16. Review status: criteria provided, single submitter. Criteria: Invitae Variant Classification Sherloc (09022015). Collection method: clinical testing. Allele origin: germline.
Comment: This sequence change replaces valine, which is neutral and non-polar, with methionine, which is neutral and non-polar, at codon 1797 of the ANK2 protein (p.Val1797Met). This variant is present in population databases (no rsID available, gnomAD 0.003%). This variant has not been reported in the literature in individuals affected with ANK2-related conditions. Algorithms developed to predict the effect of missense changes on protein structure and function output the following: SIFT: "Not Available"; PolyPhen-2: "Benign"; Align-GVGD: "Not Available". The methionine amino acid residue is found in multiple mammalian species, which suggests that this missense change does not adversely affect protein function. In summary, the available evidence is currently insufficient to determine the role of this variant in disease. Therefore, it has been classified as a Variant of Uncertain Significance.

NM_001148.6(ANK2):c.5389G>A (p.Val1797Met)

Genes: ANK2 (ankyrin 2; plus strand), LOC126807136 (MED14-independent group 3 enhancer GRCh37_chr4:114274931-114276130; plus strand). Cytogenetic location: 4q26.
Variant type: single nucleotide variant.
Coding change: c.5389G>A on transcript NM_001148.6 (MANE Select); coding-DNA position 5389, G replaced by A.
Protein change: p.Val1797Met; replaces valine 1797 with methionine.
Molecular consequence: missense variant. On other transcripts: intron variant (68).
Genome position (GRCh38, 1-based): chr4:113,354,007, G>A. VCF-style: chr4-113354007-G-A. GRCh37 (hg19) VCF-style: chr4-114275163-G-A.
Other names: c.5155G>A, p.Val1719Met (NM_001386142.1); c.1789G>A, p.Val597Met (NM_001386166.1); c.5530G>A, p.Val1844Met (NM_001386174.1); c.5506G>A, p.Val1836Met (NM_001386175.1); c.4411+3758G>A (NM_001386186.2, NM_001386148.2); c.4213+3758G>A (NM_001354269.3); c.4291+3758G>A (NM_001386187.2); c.4252+3758G>A (NM_001386147.1); and 35 more; short protein forms V1719M, V1797M, V1836M, V1844M, V597M.
Identifiers: ClinVar variation 3628520 (VCV003628520.2).